The following is an entry in ClinVar:

ClinVar aggregate classification (germline): Benign (1 of 4 stars; one submission).

Conditions:
Glycogen storage disease, type II (IOPD). Also called: Pompe Disease; CARDIOMEGALIA GLYCOGENICA DIFFUSA; GLYCOGENOSIS, GENERALIZED, CARDIAC FORM; GSD II; POMPE DISEASE, INFANTILE-ONSET; GLYCOGEN STORAGE DISEASE II, INFANTILE-ONSET. Identifiers: Orphanet 365, MedGen C0017921, MONDO:0009290, OMIM 232300.

gnomAD v4.1: 111,208 of 152,138 alleles (73%); highest among the groups gnomAD compares: Middle Eastern, 85%; 40,902 homozygotes.

Submission:

Genomenon, Inc
Classification: Benign for Glycogen storage disease, type II. Last evaluated: 2026-07-01. Review status: criteria provided, single submitter. Criteria: Genomenon Sequence Variant Interpretation Standards - Updated. Collection method: curation. Allele origin: germline. Affected: no.
Comment: GAA c.1636+404A>G is an intronic variant located in intron 11. This variant is present at high allele frequency in population databases. We classify GAA c.1636+404A>G as a benign variant.

NM_000152.5(GAA):c.1636+404A>G

Gene: GAA (alpha glucosidase; plus strand). Cytogenetic location: 17q25.3.
Variant type: single nucleotide variant.
Coding change: c.1636+404A>G on transcript NM_000152.5 (MANE Select); 404 bases into the intron after coding-DNA position 1636, A replaced by G.
Molecular consequence: intron variant.
Genome position (GRCh38, 1-based): chr17:80,111,429, A>G. VCF-style: chr17-80111429-A-G. GRCh37 (hg19) VCF-style: chr17-78085228-A-G.
Other names: c.1636+404A>G (NM_001406741.1, NM_001406742.1, NM_001079803.3 and 1 more transcripts).
Identifiers: ClinVar variation 4876297 (VCV004876297.1).
Genomic context (GRCh38, chr17:80,111,429, plus strand): 5'-ACGGGCAAGTGGATTTCTAGCCAGGGAGCAGGGTGGGCTCAGAGGCAGGAATTACCAAGA[A>G]GAAGCATGGGGGTCAGGGGGATTCTGGCTGAACTGACCCAGCAGGATTCTTGCTGAAGGC-3'